The following is an entry in ClinVar:

NC_000016.9:g.(84402321_84432104)_(84494408_84495319)del

Gene: ATP2C2 (ATPase secretory pathway Ca2+ transporting 2; plus strand). Cytogenetic location: 16q24.1.
Variant type: Deletion.
Identifiers: ClinVar variation 4887625 (VCV004887625.1).

ClinVar aggregate classification (germline): Uncertain significance (1 of 4 stars; one submission).

Submission:

Women's Health and Genetics/Laboratory Corporation of America, LabCorp
Classification: Uncertain significance. Last evaluated: 2026-06-01. Review status: criteria provided, single submitter. Criteria: LabCorp Variant Classification Summary - May 2015. Collection method: clinical testing. Allele origin: germline.
Comment: Variant summary: The variant involves the deletion of exons 2-24 in the ATP2C2 gene. A presumed nomenclature of c.(99+1_100-1)_(2481+1_2482-1)del has been designated for the purposes of this classification. This Copy Number Variant (CNV) is predicted to result in an in-frame deletion within this gene. Current evidence is not sufficient to establish loss of function as a mechanism for disease. The variant was absent in 21694 control chromosomes. The available data on variant occurrences in the general population are insufficient to allow any conclusion about variant significance. To our knowledge, no occurrence of c.(99+1_100-1)_(2481+1_2482-1)del in individuals affected with ATP2C2-related conditions and no experimental evidence demonstrating its impact on protein function have been reported. No submitters have cited clinical-significance assessments for this variant to ClinVar. Based on the evidence outlined above, the variant was classified as uncertain significance.